The following is an entry in ClinVar:

ClinVar aggregate classification (germline): Uncertain significance (1 of 4 stars; one submission).

Conditions:
Deficiency of butyryl-CoA dehydrogenase (ACADSD). Also called: ACYL-CoA DEHYDROGENASE, SHORT-CHAIN, DEFICIENCY OF; SCAD Deficiency; Short-Chain Acyl-CoA Dehydrogenase Deficiency; SCAD DEFICIENCY, MILD; ACADS DEFICIENCY; SCADH DEFICIENCY. Identifiers: Orphanet 26792, MedGen C0342783, MONDO:0008722, OMIM 201470. Disease mechanism: May be benign.

Submission:

Labcorp Genetics (formerly Invitae), Labcorp
Classification: Uncertain significance for Deficiency of butyryl-CoA dehydrogenase. Last evaluated: 2024-05-20. Review status: criteria provided, single submitter. Criteria: Invitae Variant Classification Sherloc (09022015). Collection method: clinical testing. Allele origin: germline.
Comment: This sequence change replaces alanine, which is neutral and non-polar, with serine, which is neutral and polar, at codon 276 of the ACADS protein (p.Ala276Ser). This variant is not present in population databases (gnomAD no frequency). This variant has not been reported in the literature in individuals affected with ACADS-related conditions. Advanced modeling of protein sequence and biophysical properties (such as structural, functional, and spatial information, amino acid conservation, physicochemical variation, residue mobility, and thermodynamic stability) performed at Invitae indicates that this missense variant is expected to disrupt ACADS protein function with a positive predictive value of 95%. In summary, the available evidence is currently insufficient to determine the role of this variant in disease. Therefore, it has been classified as a Variant of Uncertain Significance.

NM_000017.4(ACADS):c.826G>T (p.Ala276Ser)

Gene: ACADS (acyl-CoA dehydrogenase short chain; plus strand). Cytogenetic location: 12q24.31.
Variant type: single nucleotide variant.
Coding change: c.826G>T on transcript NM_000017.4 (MANE Select); coding-DNA position 826, G replaced by T.
Protein change: p.Ala276Ser; replaces alanine 276 with serine.
Molecular consequence: missense variant.
Genome position (GRCh38, 1-based): chr12:120,738,563, G>T. VCF-style: chr12-120738563-G-T. GRCh37 (hg19) VCF-style: chr12-121176366-G-T.
Other names: c.814G>T, p.Ala272Ser (NM_001302554.2); short protein forms A272S, A276S.
Identifiers: ClinVar variation 3607236 (VCV003607236.2).